The following is an entry in ClinVar:

NM_001372.4(DNAH9):c.7603C>T (p.Pro2535Ser)

Gene: DNAH9 (dynein axonemal heavy chain 9; plus strand). Cytogenetic location: 17p12.
Variant type: single nucleotide variant.
Coding change: c.7603C>T on transcript NM_001372.4 (MANE Select); coding-DNA position 7603, C replaced by T.
Protein change: p.Pro2535Ser; replaces proline 2535 with serine.
Molecular consequence: missense variant.
Genome position (GRCh38, 1-based): chr17:11,781,059, C>T. VCF-style: chr17-11781059-C-T. GRCh37 (hg19) VCF-style: chr17-11684376-C-T.
Other names: short protein forms P2535S.
Identifiers: ClinVar variation 1990807 (VCV001990807.4), dbSNP rs1274836843, ClinGen allele CA398191020.

ClinVar aggregate classification (germline): Uncertain significance (1 of 4 stars; one submission).

Allele frequency attached by ClinVar (database versions not stated): TOPMed below 0.00001; gnomAD exomes 0.00001; gnomAD 0.00002.
gnomAD v4.1: 8 of 1,614,042 alleles (0.0005%); highest among the groups gnomAD compares: African/African-American, 0.0067%; no homozygotes.

Submission:

Labcorp Genetics (formerly Invitae), Labcorp
Classification: Uncertain significance. Last evaluated: 2022-01-01. Review status: criteria provided, single submitter. Criteria: Invitae Variant Classification Sherloc (09022015). Collection method: clinical testing. Allele origin: germline.
Comment: In summary, the available evidence is currently insufficient to determine the role of this variant in disease. Therefore, it has been classified as a Variant of Uncertain Significance. Algorithms developed to predict the effect of missense changes on protein structure and function are either unavailable or do not agree on the potential impact of this missense change (SIFT: "Tolerated"; PolyPhen-2: "Possibly Damaging"; Align-GVGD: "Class C0"). This variant has not been reported in the literature in individuals affected with DNAH9-related conditions. This variant is present in population databases (no rsID available, gnomAD 0.01%). This sequence change replaces proline, which is neutral and non-polar, with serine, which is neutral and polar, at codon 2535 of the DNAH9 protein (p.Pro2535Ser).